The following is an entry in ClinVar:

NM_024529.5(CDC73):c.1417+5G>T

Gene: CDC73 (cell division cycle 73; plus strand). Cytogenetic location: 1q31.2.
Variant type: single nucleotide variant.
Coding change: c.1417+5G>T on transcript NM_024529.5 (MANE Select); 5 bases into the intron after coding-DNA position 1417, G replaced by T.
Molecular consequence: intron variant.
Genome position (GRCh38, 1-based): chr1:193,236,361, G>T. VCF-style: chr1-193236361-G-T. GRCh37 (hg19) VCF-style: chr1-193205491-G-T.
Identifiers: ClinVar variation 1421111 (VCV001421111.6), dbSNP rs2102061922, ClinGen allele CA2573131400.
Genomic context (GRCh38, chr1:193,236,361, plus strand): 5'-CAAAGGTTGGCCATGGCTTTTGCCTGATGGATCACCAGTTGATATATTTGCTAAAAGTAA[G>T]ATTCTCTTTGTATTTACTGTATCCAGTATAGAAATGTTCTCACTTTATTTAAGAGAAACA-3'

ClinVar aggregate classification (germline): Uncertain significance (1 of 4 stars; one submission).

Conditions:
Parathyroid carcinoma (PRTC). Also called: CDC73-Related Parathyroid Carcinoma; Parathyroid gland carcinoma. Identifiers: Orphanet 143, MedGen C0687150, MONDO:0012004, OMIM 608266, HP:0006780.

Submission:

Labcorp Genetics (formerly Invitae), Labcorp
Classification: Uncertain significance for Parathyroid carcinoma. Last evaluated: 2023-08-24. Review status: criteria provided, single submitter. Criteria: Invitae Variant Classification Sherloc (09022015). Collection method: clinical testing. Allele origin: germline.
Comment: This variant has not been reported in the literature in individuals affected with CDC73-related conditions. This variant is not present in population databases (gnomAD no frequency). This sequence change falls in intron 15 of the CDC73 gene. It does not directly change the encoded amino acid sequence of the CDC73 protein. It affects a nucleotide within the consensus splice site. ClinVar contains an entry for this variant (Variation ID: 1421111). Variants that disrupt the consensus splice site are a relatively common cause of aberrant splicing (PMID: 17576681, 9536098). Algorithms developed to predict the effect of sequence changes on RNA splicing suggest that this variant may disrupt the consensus splice site. In summary, the available evidence is currently insufficient to determine the role of this variant in disease. Therefore, it has been classified as a Variant of Uncertain Significance.

Literature cited by the submitters: PubMed 17576681; PubMed 9536098.